The following is an entry in ClinVar:

NM_001142800.2(EYS):c.967G>T (p.Gly323Ter)

Gene: EYS (EGF-like photoreceptor maintenance factor; minus strand). Cytogenetic location: 6q12.
Variant type: single nucleotide variant.
Coding change: c.967G>T on transcript NM_001142800.2 (MANE Select); coding-DNA position 967, G replaced by T.
Protein change: p.Gly323Ter; replaces glycine 323 with a stop codon.
Molecular consequence: nonsense.
Genome position (GRCh38, 1-based): chr6:65,405,263, C>A on the plus strand (G>T on the coding strand, the complement: EYS is on the minus strand). VCF-style: chr6-65405263-C-A. GRCh37 (hg19) VCF-style: chr6-66115156-C-A.
Other names: c.967G>T, p.Gly323Ter (NM_001142801.2, NM_001292009.2, NM_198283.2); short protein forms G323*.
Identifiers: ClinVar variation 865954 (VCV000865954.13), dbSNP rs746499646, ClinGen allele CA3877912.

ClinVar aggregate classification (germline): Pathogenic/Likely pathogenic. Review status: criteria provided, multiple submitters, no conflicts (2 of 4 stars). 5 submissions from 5 submitters: Pathogenic (1); Likely pathogenic (4). Last evaluated 2025-08-06.

Conditions:
EYS-related disorder. Also called: EYS-related condition.
Retinitis pigmentosa 25 (RP25). Identifiers: Orphanet 791, MedGen C1864446, MONDO:0011272, OMIM 602772.

Allele frequency attached by ClinVar (database versions not stated): gnomAD exomes 0.00001; ExAC 0.00002; gnomAD 0.00004.
gnomAD v4.1: 10 of 1,613,020 alleles (0.00062%); highest among the groups gnomAD compares: African/African-American, 0.0053%; no homozygotes.

Submissions (5):

Natera, Inc.
Classification: Likely pathogenic for Retinitis pigmentosa type 25. Last evaluated: 2025-08-06. Review status: criteria provided, single submitter. Criteria: Natera Variant Classification Schema (03/2026). Collection method: clinical testing. Allele origin: germline.
Comment: The c.967G>T variant in EYS is a nonsense variant predicted to introduce a stop codon at amino acid 323. This variant is expected to result in nonsense mediated decay, truncation, or a dysfunctional protein product. This variant is rare in the general population with a frequency below the threshold expected for the associated phenotype(s). Given the available evidence, this variant is classified as Likely Pathogenic.

Fulgent Genetics
Classification: Likely pathogenic for Retinitis pigmentosa 25. Last evaluated: 2024-05-30. Review status: criteria provided, single submitter. Criteria: ACMG Guidelines, 2015. Collection method: clinical testing. Allele origin: germline.

Labcorp Genetics (formerly Invitae), Labcorp
Classification: Pathogenic. Last evaluated: 2024-03-14. Review status: criteria provided, single submitter. Criteria: Invitae Variant Classification Sherloc (09022015). Collection method: clinical testing. Allele origin: germline.
Comment: This sequence change creates a premature translational stop signal (p.Gly323*) in the EYS gene. It is expected to result in an absent or disrupted protein product. Loss-of-function variants in EYS are known to be pathogenic (PMID: 18836446, 20333770). This variant is present in population databases (rs746499646, gnomAD 0.007%). This variant has not been reported in the literature in individuals affected with EYS-related conditions. ClinVar contains an entry for this variant (Variation ID: 865954). Algorithms developed to predict the effect of sequence changes on RNA splicing suggest that this variant may disrupt the consensus splice site. For these reasons, this variant has been classified as Pathogenic.

Baylor Genetics
Classification: Likely pathogenic for Retinitis pigmentosa 25. Last evaluated: 2023-05-07. Review status: criteria provided, single submitter. Criteria: ACMG Guidelines, 2015. Collection method: clinical testing. Allele origin: unknown.

Blueprint Genetics
Classification: Likely pathogenic for EYS-related disorders. Last evaluated: 2022-06-29. Review status: criteria provided, single submitter. Criteria: ACMG Guidelines, 2015. Collection method: clinical testing. Allele origin: germline. Affected: yes. Observed: 2 variant alleles.

Literature cited by the submitters: PubMed 18836446 (cited by Labcorp Genetics (formerly Invitae), Labcorp); PubMed 20333770 (cited by Labcorp Genetics (formerly Invitae), Labcorp).